The following is an entry in ClinVar:

ClinVar aggregate classification (germline): Uncertain significance (1 of 4 stars; one submission).

Conditions:
Familial adenomatous polyposis 1 (FAP1). Also called: FAMILIAL ADENOMATOUS POLYPOSIS 1, ATTENUATED; POLYPOSIS, ADENOMATOUS INTESTINAL. Identifiers: MedGen C2713442, MONDO:0021056, OMIM 175100. Disease mechanism: loss of function.

Allele frequency attached by ClinVar (database versions not stated): gnomAD exomes below 0.00001.
gnomAD v4.1: 1 of 1,369,454 alleles (0.000073%); highest among the groups gnomAD compares: Non-Finnish European, 0.000096%; no homozygotes.

Submission:

Labcorp Genetics (formerly Invitae), Labcorp
Classification: Uncertain significance for Familial adenomatous polyposis 1. Last evaluated: 2023-12-10. Review status: criteria provided, single submitter. Criteria: Invitae Variant Classification Sherloc (09022015). Collection method: clinical testing. Allele origin: germline.
Comment: This variant occurs in a non-coding region of the APC gene. It does not change the encoded amino acid sequence of the APC protein. This variant is not present in population databases (gnomAD no frequency). This variant has not been reported in the literature in individuals affected with APC-related conditions. Experimental studies and prediction algorithms are not available or were not evaluated, and the functional significance of this variant is currently unknown. In summary, the available evidence is currently insufficient to determine the role of this variant in disease. Therefore, it has been classified as a Variant of Uncertain Significance.

NM_001127511.3(APC):c.146A>C (p.His49Pro)

Gene: APC (APC regulator of Wnt signaling pathway; plus strand). Cytogenetic location: 5q22.2.
Variant type: single nucleotide variant.
Coding change: c.146A>C on transcript NM_001127511.3; coding-DNA position 146, A replaced by C.
Protein change: p.His49Pro; replaces histidine 49 with proline.
Molecular consequence: missense variant. On other transcripts: 5 prime UTR variant (8), non-coding transcript variant (1), intron variant (5).
Genome position (GRCh38, 1-based): chr5:112,707,863, A>C. VCF-style: chr5-112707863-A-C. GRCh37 (hg19) VCF-style: chr5-112043560-A-C.
Other names: c.-38A>C (NM_001354895.2, NM_001407447.1, NM_001407452.1 and 3 more transcripts); c.146A>C, p.His49Pro (NM_001354897.2, NM_001354902.2, NM_001407446.1); c.-1073A>C (NM_001407470.1, NM_001407472.1); c.-19+214A>C (NM_001407448.1, NM_001407450.1, NM_001407457.1 and 1 more transcripts); c.-43+214A>C (NM_001407453.1); short protein forms H49P.
Identifiers: ClinVar variation 2058519 (VCV002058519.3), dbSNP rs1191401517, ClinGen allele CA360612150.